The following is an entry in ClinVar:

ClinVar aggregate classification (germline): Uncertain significance (1 of 4 stars; one submission).

gnomAD v4.1: 34 of 1,609,636 alleles (0.0021%); highest among the groups gnomAD compares: Non-Finnish European, 0.00068%; no homozygotes.

Submission:

Labcorp Genetics (formerly Invitae), Labcorp
Classification: Uncertain significance. Last evaluated: 2025-03-07. Review status: criteria provided, single submitter. Criteria: Invitae Variant Classification Sherloc (09022015). Collection method: clinical testing. Allele origin: germline.
Comment: This sequence change replaces glycine, which is neutral and non-polar, with serine, which is neutral and polar, at codon 845 of the CARMIL2 protein (p.Gly845Ser). This variant is present in population databases (rs769322006, gnomAD 0.04%). This variant has not been reported in the literature in individuals affected with CARMIL2-related conditions. Invitae Evidence Modeling of protein sequence and biophysical properties (such as structural, functional, and spatial information, amino acid conservation, physicochemical variation, residue mobility, and thermodynamic stability) indicates that this missense variant is not expected to disrupt CARMIL2 protein function with a negative predictive value of 80%. In summary, the available evidence is currently insufficient to determine the role of this variant in disease. Therefore, it has been classified as a Variant of Uncertain Significance.

NM_001013838.3(CARMIL2):c.2533G>A (p.Gly845Ser)

Gene: CARMIL2 (capping protein regulator and myosin 1 linker 2; plus strand). Cytogenetic location: 16q22.1.
Variant type: single nucleotide variant.
Coding change: c.2533G>A on transcript NM_001013838.3 (MANE Select); coding-DNA position 2533, G replaced by A.
Protein change: p.Gly845Ser; replaces glycine 845 with serine.
Molecular consequence: missense variant.
Genome position (GRCh38, 1-based): chr16:67,651,790, G>A. VCF-style: chr16-67651790-G-A. GRCh37 (hg19) VCF-style: chr16-67685693-G-A.
Other names: c.2425G>A, p.Gly809Ser (NM_001317026.3, NM_001438244.1, NM_001438835.1); short protein forms G845S, G809S.
Identifiers: ClinVar variation 4699661 (VCV004699661.1).